The following is an entry in ClinVar:

NM_001378454.1(ALMS1):c.6035C>T (p.Pro2012Leu)

Gene: ALMS1 (ALMS1 centrosome and basal body associated protein; plus strand). Cytogenetic location: 2p13.1.
Variant type: single nucleotide variant.
Coding change: c.6035C>T on transcript NM_001378454.1 (MANE Select); coding-DNA position 6035, C replaced by T.
Protein change: p.Pro2012Leu; replaces proline 2012 with leucine.
Molecular consequence: missense variant.
Genome position (GRCh38, 1-based): chr2:73,452,562, C>T. VCF-style: chr2-73452562-C-T. GRCh37 (hg19) VCF-style: chr2-73679689-C-T.
Other names: c.6038C>T, p.Pro2013Leu (NM_015120.4); short protein forms P2012L, P2013L.
Identifiers: ClinVar variation 2037011 (VCV002037011.1), dbSNP rs750993966, ClinGen allele CA1713986.

ClinVar aggregate classification (germline): Uncertain significance (1 of 4 stars; one submission).

Conditions:
Alstrom syndrome (ALMS). Identifiers: Orphanet 64, MedGen C0268425, MONDO:0008763, OMIM 203800.

Allele frequency attached by ClinVar (database versions not stated): gnomAD exomes below 0.00001; ExAC 0.00001.
gnomAD v4.1: 3 of 1,613,996 alleles (0.00019%); highest among the groups gnomAD compares: East Asian, 0.0022%; no homozygotes.

Submission:

Labcorp Genetics (formerly Invitae), Labcorp
Classification: Uncertain significance for Alstrom syndrome. Last evaluated: 2022-01-17. Review status: criteria provided, single submitter. Criteria: Invitae Variant Classification Sherloc (09022015). Collection method: clinical testing. Allele origin: germline.
Comment: This sequence change replaces proline, which is neutral and non-polar, with leucine, which is neutral and non-polar, at codon 2013 of the ALMS1 protein (p.Pro2013Leu). This variant is not present in population databases (gnomAD no frequency). This variant has not been reported in the literature in individuals affected with ALMS1-related conditions. Algorithms developed to predict the effect of missense changes on protein structure and function output the following: SIFT: "Not Available"; PolyPhen-2: "Not Available"; Align-GVGD: "Not Available". The leucine amino acid residue is found in multiple mammalian species, which suggests that this missense change does not adversely affect protein function. In summary, the available evidence is currently insufficient to determine the role of this variant in disease. Therefore, it has been classified as a Variant of Uncertain Significance.